The following is an entry in ClinVar:

ClinVar aggregate classification (germline): Likely benign (1 of 4 stars; one submission).

Allele frequency attached by ClinVar (database versions not stated): TOPMed 0.00009; gnomAD 0.00005; gnomAD exomes 0.00006; ExAC 0.00008; ESP Exome Variant Server 0.00008.

Submission:

CeGaT Center for Human Genetics Tuebingen
Classification: Likely benign. Last evaluated: 2023-01-01. Review status: criteria provided, single submitter. Criteria: CeGaT Center For Human Genetics Tuebingen Variant Classification Criteria Version 2. Collection method: clinical testing. Allele origin: germline. Affected: yes. Observed: 1 variant allele.
Comment: CCDC87: BP4, BP7

NM_018219.3(CCDC87):c.2499G>A (p.Leu833=)

Gene: CCDC87 (coiled-coil domain containing 87; minus strand). Cytogenetic location: 11q13.2.
Variant type: single nucleotide variant.
Coding change: c.2499G>A on transcript NM_018219.3 (MANE Select); coding-DNA position 2499, G replaced by A.
Protein change: p.Leu833=; no amino-acid change (leucine 833 retained).
Molecular consequence: synonymous variant.
Genome position (GRCh38, 1-based): chr11:66,590,517, C>T on the plus strand (G>A on the coding strand, the complement: CCDC87 is on the minus strand). VCF-style: chr11-66590517-C-T. GRCh37 (hg19) VCF-style: chr11-66357988-C-T.
Identifiers: ClinVar variation 2641997 (VCV002641997.24), dbSNP rs375997354, ClinGen allele CA6125735.